The following is an entry in ClinVar:

ClinVar aggregate classification (germline): Likely benign. Review status: criteria provided, multiple submitters, no conflicts (2 of 4 stars). 3 submissions from 3 submitters: Likely benign (2). 1 of the submissions does not count toward it. Last evaluated 2025-11-04.

Conditions:
SIX3-related disorder. Also called: SIX3-Related Disorders; SIX3-related condition.
Holoprosencephaly 2 (HPE2). Identifiers: Orphanet 2162, MedGen C1834877, MONDO:0007999, OMIM 157170.

Allele frequency attached by ClinVar (database versions not stated): TOPMed 0.00001.
gnomAD v4.1: 37 of 1,578,362 alleles (0.0023%); highest among the groups gnomAD compares: Non-Finnish European, 0.0029%; no homozygotes.

Submissions (3):

Labcorp Genetics (formerly Invitae), Labcorp
Classification: Likely benign for Holoprosencephaly 2. Last evaluated: 2025-11-04. Review status: criteria provided, single submitter. Criteria: Invitae Variant Classification Sherloc (09022015). Collection method: clinical testing. Allele origin: germline.

Blueprint Genetics
Classification: Likely benign. Last evaluated: 2021-01-13. Review status: criteria provided, single submitter. Criteria: ACMG Guidelines, 2015. Collection method: clinical testing. Allele origin: germline.

PreventionGenetics, part of Exact Sciences
Classification: Likely benign for SIX3-related condition. Last evaluated: 2020-06-25. Review status: no assertion criteria provided. Collection method: clinical testing. Allele origin: germline. Not counted in ClinVar's aggregate classification.
Comment: This variant is classified as likely benign based on ACMG/AMP sequence variant interpretation guidelines (Richards et al. 2015 PMID: 25741868, with internal and published modifications).

NM_005413.4(SIX3):c.831G>C (p.Pro277=)

Gene: SIX3 (SIX homeobox 3; plus strand). Cytogenetic location: 2p21.
Variant type: single nucleotide variant.
Coding change: c.831G>C on transcript NM_005413.4 (MANE Select); coding-DNA position 831, G replaced by C.
Protein change: p.Pro277=; no amino-acid change (proline 277 retained).
Molecular consequence: synonymous variant.
Genome position (GRCh38, 1-based): chr2:44,944,592, G>C. VCF-style: chr2-44944592-G-C. GRCh37 (hg19) VCF-style: chr2-45171731-G-C.
Identifiers: ClinVar variation 759820 (VCV000759820.13), dbSNP rs370941478, ClinGen allele CA1642399.